The following is an entry in ClinVar:

NM_000722.4(CACNA2D1):c.3266G>A (p.Arg1089His)

Gene: CACNA2D1 (calcium voltage-gated channel auxiliary subunit alpha2delta 1; minus strand). Cytogenetic location: 7q21.11.
Variant type: single nucleotide variant.
Coding change: c.3266G>A on transcript NM_000722.4 (MANE Select); coding-DNA position 3266, G replaced by A.
Protein change: p.Arg1089His; replaces arginine 1089 with histidine.
Molecular consequence: missense variant.
Genome position (GRCh38, 1-based): chr7:81,950,402, C>T on the plus strand (G>A on the coding strand, the complement: CACNA2D1 is on the minus strand). VCF-style: chr7-81950402-C-T. GRCh37 (hg19) VCF-style: chr7-81579718-C-T.
Other names: c.3302G>A, p.Arg1101His (NM_001366867.1); short protein forms R1089H, R1101H.
Identifiers: ClinVar variation 1478902 (VCV001478902.11), dbSNP rs143631985, ClinGen allele CA4317323.

ClinVar aggregate classification (germline): Uncertain significance. Review status: criteria provided, multiple submitters, no conflicts (2 of 4 stars). 2 submissions from 2 submitters: Uncertain significance (2). Last evaluated 2023-09-08.

Conditions:
Brugada syndrome. Also called: Sudden Unexplained Death Syndrome; Sudden Unexplained Nocturnal Death Syndrome (SUNDS); Sudden unexplained nocturnal death syndrome; Sudden unexpected nocturnal death syndrome. Identifiers: Orphanet 130, MedGen C1142166, MONDO:0015263.
Cardiovascular phenotype. Identifiers: MedGen CN230736.

Allele frequency attached by ClinVar (database versions not stated): TOPMed 0.00002; ExAC 0.00003; ESP Exome Variant Server 0.00015.
gnomAD v4.1: 27 of 1,612,930 alleles (0.0017%); highest among the groups gnomAD compares: African/African-American, 0.012%; no homozygotes.

Submissions (2):

Ambry Genetics
Classification: Uncertain significance for Cardiovascular phenotype. Last evaluated: 2023-09-08. Review status: criteria provided, single submitter. Criteria: Ambry Variant Classification Scheme 2023. Collection method: clinical testing. Allele origin: germline.
Comment: The p.R1089H variant (also known as c.3266G>A), located in coding exon 39 of the CACNA2D1 gene, results from a G to A substitution at nucleotide position 3266. The arginine at codon 1089 is replaced by histidine, an amino acid with highly similar properties. This amino acid position is poorly conserved in available vertebrate species. In addition, this alteration is predicted to be tolerated by in silico analysis. Since supporting evidence is limited at this time, the clinical significance of this alteration remains unclear.

Labcorp Genetics (formerly Invitae), Labcorp
Classification: Uncertain significance for Brugada syndrome. Last evaluated: 2023-05-25. Review status: criteria provided, single submitter. Criteria: Invitae Variant Classification Sherloc (09022015). Collection method: clinical testing. Allele origin: germline.
Comment: In summary, the available evidence is currently insufficient to determine the role of this variant in disease. Therefore, it has been classified as a Variant of Uncertain Significance. Algorithms developed to predict the effect of missense changes on protein structure and function output the following: SIFT: "Not Available"; PolyPhen-2: "Not Available"; Align-GVGD: "Not Available". The histidine amino acid residue is found in multiple mammalian species, which suggests that this missense change does not adversely affect protein function. ClinVar contains an entry for this variant (Variation ID: 1478902). This variant has not been reported in the literature in individuals affected with CACNA2D1-related conditions. This variant is present in population databases (rs143631985, gnomAD 0.01%). This sequence change replaces arginine, which is basic and polar, with histidine, which is basic and polar, at codon 1089 of the CACNA2D1 protein (p.Arg1089His).